The following is an entry in ClinVar:

NM_001987.5(ETV6):c.1041G>T (p.Gln347His)

Genes: ETV6 (ETS variant transcription factor 6; plus strand), LOC126861452 (CDK7 strongly-dependent group 2 enhancer GRCh37_chr12:12037195-12038394; plus strand). Cytogenetic location: 12p13.2.
Variant type: single nucleotide variant.
Coding change: c.1041G>T on transcript NM_001987.5 (MANE Select); coding-DNA position 1041, G replaced by T.
Protein change: p.Gln347His; replaces glutamine 347 with histidine.
Molecular consequence: missense variant. On other transcripts: intron variant (1).
Genome position (GRCh38, 1-based): chr12:11,884,476, G>T. VCF-style: chr12-11884476-G-T. GRCh37 (hg19) VCF-style: chr12-12037410-G-T.
Other names: c.1038G>T, p.Gln346His (NM_001413913.1); c.1014G>T, p.Gln338His (NM_001413914.1); c.777G>T, p.Gln259His (NM_001413915.1); c.1010-6465G>T (NM_001413917.1); short protein forms Q338H, Q346H, Q259H, Q347H.
Identifiers: ClinVar variation 4618824 (VCV004618824.1).

ClinVar aggregate classification (germline): Uncertain significance (1 of 4 stars; one submission).

Conditions:
Inborn genetic diseases. Identifiers: MedGen C0950123, MeSH D030342.

gnomAD v4.1: 1 of 1,614,086 alleles (0.000062%); no homozygotes.

Submission:

Ambry Genetics
Classification: Uncertain significance for Inborn genetic diseases. Last evaluated: 2025-11-25. Review status: criteria provided, single submitter. Criteria: Ambry Variant Classification Scheme 2023. Collection method: clinical testing. Allele origin: germline.
Comment: The p.Q347H variant (also known as c.1041G>T), located in coding exon 6 of the ETV6 gene, results from a G to T substitution at nucleotide position 1041. The glutamine at codon 347 is replaced by histidine, an amino acid with highly similar properties. This amino acid position is highly conserved in available vertebrate species. In addition, this alteration is predicted to be tolerated by in silico analysis. Based on the available evidence, the clinical significance of this variant remains unclear.